The following is an entry in ClinVar:

NM_001329943.3(KIAA0586):c.3266A>G (p.Asp1089Gly)

Gene: KIAA0586 (KIAA0586; plus strand). Cytogenetic location: 14q23.1.
Variant type: single nucleotide variant.
Coding change: c.3266A>G on transcript NM_001329943.3 (MANE Select); coding-DNA position 3266, A replaced by G.
Protein change: p.Asp1089Gly; replaces aspartic acid 1089 with glycine.
Molecular consequence: missense variant.
Genome position (GRCh38, 1-based): chr14:58,487,128, A>G. VCF-style: chr14-58487128-A-G. GRCh37 (hg19) VCF-style: chr14-58953846-A-G.
Other names: c.3425A>G, p.Asp1142Gly (NM_001244189.2); c.3221A>G, p.Asp1074Gly (NM_001244190.2); c.3011A>G, p.Asp1004Gly (NM_001244191.2, NM_001329945.2, NM_001364700.1 and 1 more transcripts); c.3134A>G, p.Asp1045Gly (NM_001244192.2); c.2846A>G, p.Asp949Gly (NM_001244193.2); c.3266A>G, p.Asp1089Gly (NM_001329944.2, NM_001329946.2, NM_001329947.2); c.3038A>G, p.Asp1013Gly (NM_014749.5); short protein forms D1013G, D1074G, D1004G, D1045G, D1089G, D949G, D1142G.
Identifiers: ClinVar variation 1446374 (VCV001446374.6), dbSNP rs187091758, ClinGen allele CA7206106.

ClinVar aggregate classification (germline): Uncertain significance (1 of 4 stars; one submission).

Conditions:
Short-rib thoracic dysplasia 14 with polydactyly (SRTD14). Identifiers: Orphanet 397715, MedGen C4225286, MONDO:0014688, OMIM 616546.
Joubert syndrome 23 (JBTS23). Identifiers: Orphanet 475, MedGen C4084822, MONDO:0014664, OMIM 616490.

Allele frequency attached by ClinVar (database versions not stated): gnomAD exomes below 0.00001; ExAC 0.00001; gnomAD 0.00001; TOPMed 0.00001; 1000 Genomes Project 30x 0.00016; 1000 Genomes Project 0.00020.

Submission:

Labcorp Genetics (formerly Invitae), Labcorp
Classification: Uncertain significance for Joubert syndrome 23; Short-rib thoracic dysplasia 14 with polydactyly. Last evaluated: 2024-11-05. Review status: criteria provided, single submitter. Criteria: Invitae Variant Classification Sherloc (09022015). Collection method: clinical testing. Allele origin: germline.
Comment: This sequence change replaces aspartic acid, which is acidic and polar, with glycine, which is neutral and non-polar, at codon 1142 of the KIAA0586 protein (p.Asp1142Gly). This variant is present in population databases (rs187091758, gnomAD 0.007%). This variant has not been reported in the literature in individuals affected with KIAA0586-related conditions. ClinVar contains an entry for this variant (Variation ID: 1446374). Invitae Evidence Modeling of protein sequence and biophysical properties (such as structural, functional, and spatial information, amino acid conservation, physicochemical variation, residue mobility, and thermodynamic stability) indicates that this missense variant is not expected to disrupt KIAA0586 protein function with a negative predictive value of 80%. Algorithms developed to predict the effect of sequence changes on RNA splicing suggest that this variant may create or strengthen a splice site. In summary, the available evidence is currently insufficient to determine the role of this variant in disease. Therefore, it has been classified as a Variant of Uncertain Significance.